The following is an entry in ClinVar:

ClinVar aggregate classification (germline): Uncertain significance (1 of 4 stars; one submission).

Conditions:
Catecholaminergic polymorphic ventricular tachycardia (CVPT). Also called: Catecholamine-induced polymorphic ventricular tachycardia. Identifiers: Orphanet 3286, MedGen C5574922, MONDO:0017990.

gnomAD v4.1: 1 of 1,612,356 alleles (0.000062%); highest among the groups gnomAD compares: Non-Finnish European, 0.000085%; no homozygotes.

Submission:

All of Us Research Program, National Institutes of Health
Classification: Uncertain significance for Catecholaminergic polymorphic ventricular tachycardia. Last evaluated: 2024-06-09. Review status: criteria provided, single submitter. Criteria: ACMG Guidelines, 2015. Collection method: clinical testing. Allele origin: germline. Inheritance: Autosomal dominant inheritance. Observed: 1 variant allele, 1 heterozygote.
Comment: This missense variant replaces histidine with glutamine at codon 464 of the RYR2 protein. Computational prediction suggests that this variant may not impact protein structure and function (internally defined REVEL score threshold <= 0.5, PMID: 27666373). To our knowledge, functional studies have not been reported for this variant. This variant has not been reported in individuals affected with RYR2-related disorders in the literature. This variant has not been identified in the general population by the Genome Aggregation Database (gnomAD). The available evidence is insufficient to determine the role of this variant in disease conclusively. Therefore, this variant is classified as a Variant of Uncertain Significance.

This study involves interpretation of variants in research participants for the purpose of population health screening. Participant phenotype was not available at the time of variant classification. Additional details can be found in publication PMID: 35346344, PMCID: PMC8962531

NM_001035.3(RYR2):c.1392C>G (p.His464Gln)

Gene: RYR2 (ryanodine receptor 2; plus strand). Cytogenetic location: 1q43.
Variant type: single nucleotide variant.
Coding change: c.1392C>G on transcript NM_001035.3 (MANE Select); coding-DNA position 1392, C replaced by G.
Protein change: p.His464Gln; replaces histidine 464 with glutamine.
Molecular consequence: missense variant.
Genome position (GRCh38, 1-based): chr1:237,454,490, C>G. VCF-style: chr1-237454490-C-G. GRCh37 (hg19) VCF-style: chr1-237617790-C-G.
Other names: short protein forms H464Q.
Identifiers: ClinVar variation 3385672 (VCV003385672.1).